The following is an entry in ClinVar:

NM_002661.5(PLCG2):c.2351G>A (p.Arg784Gln)

Gene: PLCG2 (phospholipase C gamma 2; plus strand). Cytogenetic location: 16q23.3.
Variant type: single nucleotide variant.
Coding change: c.2351G>A on transcript NM_002661.5 (MANE Select); coding-DNA position 2351, G replaced by A.
Protein change: p.Arg784Gln; replaces arginine 784 with glutamine.
Molecular consequence: missense variant.
Genome position (GRCh38, 1-based): chr16:81,923,528, G>A. VCF-style: chr16-81923528-G-A. GRCh37 (hg19) VCF-style: chr16-81957133-G-A.
Other names: short protein forms R784Q.
Identifiers: ClinVar variation 1499041 (VCV001499041.8), dbSNP rs1476399695, ClinGen allele CA396902471.

ClinVar aggregate classification (germline): Uncertain significance (1 of 4 stars; one submission).

Conditions:
Familial cold autoinflammatory syndrome 3 (FCAS3). Also called: FAMILIAL ATYPICAL COLD URTICARIA; ANTIBODY DEFICIENCY AND IMMUNE DYSREGULATION, PLCG2-ASSOCIATED. Identifiers: Orphanet 300359, MedGen C3280914, MONDO:0013766, OMIM 614468.

Allele frequency attached by ClinVar (database versions not stated): gnomAD exomes below 0.00001; gnomAD 0.00001; TOPMed 0.00001.
gnomAD v4.1: 5 of 1,613,734 alleles (0.00031%); highest among the groups gnomAD compares: Admixed American, 0.0033%; no homozygotes.

Submission:

Labcorp Genetics (formerly Invitae), Labcorp
Classification: Uncertain significance for Familial cold autoinflammatory syndrome 3. Last evaluated: 2024-09-05. Review status: criteria provided, single submitter. Criteria: Invitae Variant Classification Sherloc (09022015). Collection method: clinical testing. Allele origin: germline.
Comment: This sequence change replaces arginine, which is basic and polar, with glutamine, which is neutral and polar, at codon 784 of the PLCG2 protein (p.Arg784Gln). The frequency data for this variant in the population databases is considered unreliable, as metrics indicate poor data quality at this position in the gnomAD database. This variant has not been reported in the literature in individuals affected with PLCG2-related conditions. ClinVar contains an entry for this variant (Variation ID: 1499041). An algorithm developed to predict the effect of missense changes on protein structure and function outputs the following: PolyPhen-2: "Benign". The glutamine amino acid residue is found in multiple mammalian species, which suggests that this missense change does not adversely affect protein function. In summary, the available evidence is currently insufficient to determine the role of this variant in disease. Therefore, it has been classified as a Variant of Uncertain Significance.